The following is an entry in ClinVar:

ClinVar aggregate classification (germline): Uncertain significance. Review status: criteria provided, multiple submitters, no conflicts (2 of 4 stars). 3 submissions from 3 submitters: Uncertain significance (2). 1 of the submissions does not count toward it. Last evaluated 2025-10-08.

Conditions:
ADCY10-related disorder. Also called: ADCY10-related condition.

Allele frequency attached by ClinVar (database versions not stated): ESP Exome Variant Server 0.00023; TOPMed 0.00026; gnomAD 0.00042 and 0.00046.
gnomAD v4.1: 406 of 1,614,008 alleles (0.025%); highest among the groups gnomAD compares: Non-Finnish European, 0.031%; 1 homozygote.

Submissions (3):

Labcorp Genetics (formerly Invitae), Labcorp
Classification: Uncertain significance. Last evaluated: 2025-10-08. Review status: criteria provided, single submitter. Criteria: Invitae Variant Classification Sherloc (09022015). Collection method: clinical testing. Allele origin: germline.
Comment: This sequence change replaces valine, which is neutral and non-polar, with isoleucine, which is neutral and non-polar, at codon 1520 of the ADCY10 protein (p.Val1520Ile). This variant is present in population databases (rs144839993, gnomAD 0.06%), and has an allele count higher than expected for a pathogenic variant. This variant has not been reported in the literature in individuals affected with ADCY10-related conditions. ClinVar contains an entry for this variant (Variation ID: 955513). An algorithm developed to predict the effect of missense changes on protein structure and function outputs the following: PolyPhen-2: "Benign". The isoleucine amino acid residue is found in multiple mammalian species, which suggests that this missense change does not adversely affect protein function. In summary, the available evidence is currently insufficient to determine the role of this variant in disease. Therefore, it has been classified as a Variant of Uncertain Significance.

Breakthrough Genomics
Classification: Uncertain significance. Review status: criteria provided, single submitter. Criteria: ACMG Guidelines, 2015. Collection method: not provided. Allele origin: germline. Inheritance: Autosomal dominant inheritance. Affected: yes.

PreventionGenetics, part of Exact Sciences
Classification: Likely benign for ADCY10-related condition. Last evaluated: 2022-11-03. Review status: no assertion criteria provided. Collection method: clinical testing. Allele origin: germline. Not counted in ClinVar's aggregate classification.
Comment: This variant is classified as likely benign based on ACMG/AMP sequence variant interpretation guidelines (Richards et al. 2015 PMID: 25741868, with internal and published modifications).

NM_018417.6(ADCY10):c.4558G>A (p.Val1520Ile)

Gene: ADCY10 (adenylate cyclase 10; minus strand). Cytogenetic location: 1q24.2.
Variant type: single nucleotide variant.
Coding change: c.4558G>A on transcript NM_018417.6 (MANE Select); coding-DNA position 4558, G replaced by A.
Protein change: p.Val1520Ile; replaces valine 1520 with isoleucine.
Molecular consequence: missense variant.
Genome position (GRCh38, 1-based): chr1:167,810,838, C>T on the plus strand (G>A on the coding strand, the complement: ADCY10 is on the minus strand). VCF-style: chr1-167810838-C-T. GRCh37 (hg19) VCF-style: chr1-167780075-C-T.
Other names: c.4099G>A, p.Val1367Ile (NM_001167749.3); c.4282G>A, p.Val1428Ile (NM_001297772.2); short protein forms V1367I, V1428I, V1520I.
Identifiers: ClinVar variation 955513 (VCV000955513.9), dbSNP rs144839993, ClinGen allele CA1226985.
Genomic context (GRCh38, chr1:167,810,838, plus strand): 5'-GCCGCAAGGCTGTGTTCAGGAAGAGGCCACATTTCTGCCCATCTCCCATTAATATACAGA[C>T]GTAAGCCATCAGGTGGTAGAGCCTTGGGCAAAAGACAGGGCCAGTGGTATTTTGAGCCAC-3'
Protein context (NP_060887.2, residues 1510-1530): CPRLYHLMAY[Val1520Ile]CILMGDGQKC